The following is an entry in ClinVar:

NM_002769.5(PRSS1):c.315C>A (p.Asn105Lys)

Genes: PRSS1 (serine protease 1; plus strand), TRB (T cell receptor beta locus; plus strand). Cytogenetic location: 7q34.
Variant type: single nucleotide variant.
Coding change: c.315C>A on transcript NM_002769.5 (MANE Select); coding-DNA position 315, C replaced by A.
Protein change: p.Asn105Lys; replaces asparagine 105 with lysine.
Molecular consequence: missense variant. On other transcripts: non-coding transcript variant (4).
Genome position (GRCh38, 1-based): chr7:142,751,888, C>A. VCF-style: chr7-142751888-C-A. GRCh37 (hg19) VCF-style: chr7-142459739-C-A.
Other names: short protein forms N105K.
Identifiers: ClinVar variation 3939058 (VCV003939058.1).

ClinVar aggregate classification (germline): Uncertain significance (1 of 4 stars; one submission).

Conditions:
Hereditary pancreatitis (PCTT). Also called: Hereditary chronic pancreatitis; PRSS1-Related Hereditary Pancreatitis. Identifiers: Orphanet 676, MedGen C0238339, MONDO:0008185, OMIM 167800.

gnomAD v4.1: 1 of 1,614,086 alleles (0.000062%); highest among the groups gnomAD compares: Admixed American, 0.0017%; no homozygotes.

Submission:

Ambry Genetics
Classification: Uncertain significance for Hereditary pancreatitis. Last evaluated: 2025-05-29. Review status: criteria provided, single submitter. Criteria: Ambry Variant Classification Scheme 2023. Collection method: clinical testing. Allele origin: germline.
Comment: The p.N105K variant (also known as c.315C>A), located in coding exon 3 of the PRSS1 gene, results from a C to A substitution at nucleotide position 315. The asparagine at codon 105 is replaced by lysine, an amino acid with similar properties. This amino acid position is conserved. In addition, the in silico prediction for this alteration is inconclusive. Based on the available evidence, the clinical significance of this variant remains unclear.